The following is an entry in ClinVar:

ClinVar aggregate classification (germline): Pathogenic (1 of 4 stars; one submission).

Submission:

Labcorp Genetics (formerly Invitae), Labcorp
Classification: Pathogenic. Last evaluated: 2024-02-06. Review status: criteria provided, single submitter. Criteria: Invitae Variant Classification Sherloc (09022015). Collection method: clinical testing. Allele origin: germline.
Comment: This sequence change creates a premature translational stop signal (p.Gln2685*) in the HSPG2 gene. It is expected to result in an absent or disrupted protein product. Loss-of-function variants in HSPG2 are known to be pathogenic (PMID: 11279527, 16927315, 20542149, 23836246). This variant is not present in population databases (gnomAD no frequency). This variant has not been reported in the literature in individuals affected with HSPG2-related conditions. Algorithms developed to predict the effect of sequence changes on RNA splicing suggest that this variant may disrupt the consensus splice site. For these reasons, this variant has been classified as Pathogenic.

Literature cited by the submitters: PubMed 11279527; PubMed 16927315; PubMed 20542149; PubMed 23836246.

NM_005529.7(HSPG2):c.8053C>T (p.Gln2685Ter)

Gene: HSPG2 (heparan sulfate proteoglycan 2; minus strand). Cytogenetic location: 1p36.12.
Variant type: single nucleotide variant.
Coding change: c.8053C>T on transcript NM_005529.7 (MANE Select); coding-DNA position 8053, C replaced by T.
Protein change: p.Gln2685Ter; replaces glutamine 2685 with a stop codon.
Molecular consequence: nonsense.
Genome position (GRCh38, 1-based): chr1:21,847,465, G>A on the plus strand (C>T on the coding strand, the complement: HSPG2 is on the minus strand). VCF-style: chr1-21847465-G-A. GRCh37 (hg19) VCF-style: chr1-22173958-G-A.
Other names: c.8056C>T, p.Gln2686Ter (NM_001291860.2); short protein forms Q2686*, Q2685*.
Identifiers: ClinVar variation 3639335 (VCV003639335.2).